The following is an entry in ClinVar:

NM_015346.4(ZFYVE26):c.7188+3A>G

Gene: ZFYVE26 (zinc finger FYVE-type containing 26; minus strand). Cytogenetic location: 14q24.1.
Variant type: single nucleotide variant.
Coding change: c.7188+3A>G on transcript NM_015346.4 (MANE Select); 3 bases into the intron after coding-DNA position 7188, A replaced by G.
Molecular consequence: intron variant.
Genome position (GRCh38, 1-based): chr14:67,753,704, T>C on the plus strand (A>G on the coding strand, the complement: ZFYVE26 is on the minus strand). VCF-style: chr14-67753704-T-C. GRCh37 (hg19) VCF-style: chr14-68220421-T-C.
Identifiers: ClinVar variation 2067361 (VCV002067361.1), dbSNP rs757810164, ClinGen allele CA7239043.
Genomic context (GRCh38, chr14:67,753,704, plus strand): 5'-TCTCCCGGAACTGTGGTCAGGTGCTGATTGTCCTCAGTATGATTTGAATGATCCAAGTCA[T>C]ACCTGCAGAACACGGAAAGCAATTCCAAAACCATCTTCTACATTTTTCCCTCCCAGCATG-3'

ClinVar aggregate classification (germline): Uncertain significance (1 of 4 stars; one submission).

Conditions:
Spastic paraplegia. Identifiers: MedGen C0037772, HP:0001258.

Allele frequency attached by ClinVar (database versions not stated): TOPMed below 0.00001; ExAC 0.00001; gnomAD exomes 0.00001.
gnomAD v4.1: 11 of 1,613,428 alleles (0.00068%); highest among the groups gnomAD compares: Non-Finnish European, 0.00085%; no homozygotes.

Submission:

Labcorp Genetics (formerly Invitae), Labcorp
Classification: Uncertain significance for Spastic paraplegia. Last evaluated: 2022-08-10. Review status: criteria provided, single submitter. Criteria: Invitae Variant Classification Sherloc (09022015). Collection method: clinical testing. Allele origin: germline.
Comment: This sequence change falls in intron 39 of the ZFYVE26 gene. It does not directly change the encoded amino acid sequence of the ZFYVE26 protein. It affects a nucleotide within the consensus splice site. This variant is present in population databases (rs757810164, gnomAD 0.004%). This variant has not been reported in the literature in individuals affected with ZFYVE26-related conditions. Variants that disrupt the consensus splice site are a relatively common cause of aberrant splicing (PMID: 17576681, 9536098). Algorithms developed to predict the effect of sequence changes on RNA splicing suggest that this variant may disrupt the consensus splice site. In summary, the available evidence is currently insufficient to determine the role of this variant in disease. Therefore, it has been classified as a Variant of Uncertain Significance.

Literature cited by the submitters: PubMed 17576681; PubMed 9536098.